The following is an entry in ClinVar:

NM_000094.4(COL7A1):c.6724G>C (p.Gly2242Arg)

Gene: COL7A1 (collagen type VII alpha 1 chain; minus strand). Cytogenetic location: 3p21.31.
Variant type: single nucleotide variant.
Coding change: c.6724G>C on transcript NM_000094.4 (MANE Select); coding-DNA position 6724, G replaced by C.
Protein change: p.Gly2242Arg; replaces glycine 2242 with arginine.
Molecular consequence: missense variant.
Genome position (GRCh38, 1-based): chr3:48,573,047, C>G on the plus strand (G>C on the coding strand, the complement: COL7A1 is on the minus strand). VCF-style: chr3-48573047-C-G. GRCh37 (hg19) VCF-style: chr3-48610480-C-G.
Other names: short protein forms G2242R.
Identifiers: ClinVar variation 208679 (VCV000208679.5), dbSNP rs121912837, ClinGen allele CA204663.

ClinVar aggregate classification (germline): Pathogenic. Review status: criteria provided, multiple submitters, no conflicts (2 of 4 stars). 2 submissions from 2 submitters: Pathogenic (2). Last evaluated 2025-07-11.

Conditions:
Epidermolysis bullosa dystrophica. Also called: Dystrophic epidermolysis bullosa, Hallopeau-Siemens type (formerly); Dystrophic epidermolysis bullosa. Identifiers: Orphanet 303, MedGen C0079294, MONDO:0006543.
Inborn genetic diseases. Identifiers: MedGen C0950123, MeSH D030342.

Submissions (2):

Natera, Inc.
Classification: Pathogenic for Dystrophic epidermolysis bullosa. Last evaluated: 2025-07-11. Review status: criteria provided, single submitter. Criteria: Natera Variant Classification Schema (03/2026). Collection method: clinical testing. Allele origin: germline.
Comment: The c.6724G>C variant in COL7A1 is a missense variant predicted to cause substitution of glycine to arginine at amino acid 2242. This variant is rare in the general population with a frequency below the threshold expected for the associated phenotype(s). Another variant at this same site results in an alteration predicted to cause a similar molecular effect has been observed in individual(s) with the associated phenotype. A different variant at the same position has been determined to be Pathogenic or Likely Pathogenic. Computational prediction algorithms indicate this variant is likely to affect gene or protein function. Given the available evidence, this variant is classified as Pathogenic.

Ambry Genetics
Classification: Pathogenic for Inborn genetic diseases. Last evaluated: 2012-10-04. Review status: criteria provided, single submitter. Criteria: Ambry Autosomal Dominant and X-Linked criteria (10/2015). Collection method: clinical testing. Allele origin: germline. Observed: 1 variant allele.
Comment: Co-segregation data for this variant is currently unavailable. This variant has not been detected in conjunction with a pathogenic mutation to date.This variant was previously reported in the SNPDatabase as rs121912837 (Database of Single Nucleotide Polymorphisms (dbSNP). Bethesda (MD): National Center for Biotechnology Information, National Library of Medicine. (dbSNP Build ID: 135). Accessed Jan 2012). To our knowledge, this alteration has not been previously reported in the NHLBI Exome Sequencing Project (ESP) and 1000 Genome databases. This nucleotide position is well conserved in available vertebrate species. This amino acid position is highly conserved in available vertebrate species.This alteration is predicted to be probably damaging with a score of 0.999 (sensitivity: 0.09; specificity: 0.99)This alteration is predicted to be deleterious with a score of 0.000 (conservation: 2.73)